The following is an entry in ClinVar:

ClinVar aggregate classification (germline): Uncertain significance. Review status: criteria provided, multiple submitters, no conflicts (2 of 4 stars). 3 submissions from 3 submitters: Uncertain significance (3). Last evaluated 2025-11-13.

Submissions (3):

Labcorp Genetics (formerly Invitae), Labcorp
Classification: Uncertain significance. Last evaluated: 2025-11-13. Review status: criteria provided, single submitter. Criteria: Invitae Variant Classification Sherloc (09022015). Collection method: clinical testing. Allele origin: germline.
Comment: This variant, c.1654_1659del, results in the deletion of 2 amino acid(s) of the DNM1L protein (p.Ser552_Ala553del), but otherwise preserves the integrity of the reading frame. This variant is present in population databases (rs761444723, gnomAD 0.03%). This variant has not been reported in the literature in individuals affected with DNM1L-related conditions. ClinVar contains an entry for this variant (Variation ID: 1511260). Experimental studies and prediction algorithms are not available or were not evaluated, and the functional significance of this variant is currently unknown. In summary, the available evidence is currently insufficient to determine the role of this variant in disease. Therefore, it has been classified as a Variant of Uncertain Significance.

GeneDx
Classification: Uncertain significance. Last evaluated: 2024-09-04. Review status: criteria provided, single submitter. Criteria: GeneDx Variant Classification Process June 2021. Collection method: clinical testing. Allele origin: germline. Affected: yes.
Comment: In-frame deletion of 2 amino acids in a non-repeat region; In silico analysis indicates that this variant does not alter protein structure/function; Has not been previously published as pathogenic or benign to our knowledge

Revvity Omics, Revvity
Classification: Uncertain significance. Last evaluated: 2023-11-01. Review status: criteria provided, single submitter. Criteria: ACMG Guidelines, 2015. Collection method: clinical testing. Allele origin: germline.

NM_012062.5(DNM1L):c.1654_1659del (p.Ser552_Ala553del)

Gene: DNM1L (dynamin 1 like; plus strand). Cytogenetic location: 12p11.21.
Variant type: Deletion.
Coding change: c.1654_1659del on transcript NM_012062.5 (MANE Select); coding-DNA positions 1654 to 1659, 6 bases deleted (TCTGCT; older notation c.1654_1659delTCTGCT).
Protein change: p.Ser552_Ala553del.
Molecular consequence: inframe deletion. On other transcripts: intron variant (3).
Genome position (GRCh38, 1-based): chr12:32,737,922-32,737,927, TCTGCT deleted; deleting any 6 consecutive bases within chr12:32,737,917-32,737,927 gives the same sequence; the c. name uses the placement nearest the transcript's 3' end. VCF-style (leftmost placement, unchanged base first): chr12-32737916-GCTGCTT-G. GRCh37 (hg19) VCF-style: chr12-32890850-GCTGCTT-G.
Other names: c.1654_1659del, p.Ser552_Ala553del (NM_001278463.2); c.1693_1698del, p.Ser565_Ala566del (NM_001278464.2, NM_001278465.2); c.1045_1050del, p.Ser349_Ala350del (NM_001278466.2); c.1635+761_1635+766del (NM_001330380.2); c.1597-342_1597-337del (NM_012063.4); c.1596+761_1596+766del (NM_005690.5); c.1693_1698del (NM_001278464.1); c.1654_1659del (NM_012062.3).
Identifiers: ClinVar variation 1511260 (VCV001511260.9), dbSNP rs761444723, ClinGen allele CA6507636.